The following is an entry in ClinVar:

NM_001080467.3(MYO5B):c.68G>A (p.Arg23His)

Gene: MYO5B (myosin VB; minus strand). Cytogenetic location: 18q21.1.
Variant type: single nucleotide variant.
Coding change: c.68G>A on transcript NM_001080467.3 (MANE Select); coding-DNA position 68, G replaced by A.
Protein change: p.Arg23His; replaces arginine 23 with histidine.
Molecular consequence: missense variant.
Genome position (GRCh38, 1-based): chr18:50,055,338, C>T on the plus strand (G>A on the coding strand, the complement: MYO5B is on the minus strand). VCF-style: chr18-50055338-C-T. GRCh37 (hg19) VCF-style: chr18-47581708-C-T.
Other names: c.68G>A (NM_001080467.2); short protein forms R23H.
Identifiers: ClinVar variation 1467029 (VCV001467029.7), dbSNP rs202129020, ClinGen allele CA8962026.
Genomic context (GRCh38, chr18:50,055,338, plus strand): 5'-TCCAGTCTGAGCTGTAGGCTCTTGTCTCCTTCTTTGTAGTCCTTGGTTAACTCAGCTGAG[C>T]GCCATACCTCATCAGGGTCAGGGATCCAGACCCTTGTGCACTGAAAGATTAAAACAGAAG-3'
Protein context (NP_001073936.1, residues 13-33): VWIPDPDEVW[Arg23His]SAELTKDYKE

ClinVar aggregate classification (germline): Uncertain significance. Review status: criteria provided, multiple submitters, no conflicts (2 of 4 stars). 2 submissions from 2 submitters: Uncertain significance (2). Last evaluated 2023-12-17.

Conditions:
Inborn genetic diseases. Identifiers: MedGen C0950123, MeSH D030342.

Allele frequency attached by ClinVar (database versions not stated): gnomAD exomes 0.00003 and 0.00005; ExAC 0.00004; TOPMed 0.00009; gnomAD 0.00013 and 0.00014; ESP Exome Variant Server 0.00017.
gnomAD v4.1: 60 of 1,611,728 alleles (0.0037%); highest among the groups gnomAD compares: Middle Eastern, 0.066%; no homozygotes.

Submissions (2):

Ambry Genetics
Classification: Uncertain significance for Inborn genetic diseases. Last evaluated: 2023-12-17. Review status: criteria provided, single submitter. Criteria: Ambry Variant Classification Scheme 2023. Collection method: clinical testing. Allele origin: germline.

Labcorp Genetics (formerly Invitae), Labcorp
Classification: Uncertain significance. Last evaluated: 2023-12-07. Review status: criteria provided, single submitter. Criteria: Invitae Variant Classification Sherloc (09022015). Collection method: clinical testing. Allele origin: germline.
Comment: This sequence change replaces arginine, which is basic and polar, with histidine, which is basic and polar, at codon 23 of the MYO5B protein (p.Arg23His). This variant is present in population databases (rs202129020, gnomAD 0.02%). This variant has not been reported in the literature in individuals affected with MYO5B-related conditions. ClinVar contains an entry for this variant (Variation ID: 1467029). Advanced modeling of protein sequence and biophysical properties (such as structural, functional, and spatial information, amino acid conservation, physicochemical variation, residue mobility, and thermodynamic stability) performed at Invitae indicates that this missense variant is not expected to disrupt MYO5B protein function with a negative predictive value of 80%. In summary, the available evidence is currently insufficient to determine the role of this variant in disease. Therefore, it has been classified as a Variant of Uncertain Significance.